The following is an entry in ClinVar:

NM_004628.5(XPC):c.1287_1288insATAT (p.Tyr430fs)

Gene: XPC (XPC complex subunit, DNA damage recognition and repair factor; minus strand). Cytogenetic location: 3p25.1.
Variant type: Insertion.
Coding change: c.1287_1288insATAT on transcript NM_004628.5 (MANE Select); coding-DNA positions 1287 to 1288, ATAT inserted.
Protein change: p.Tyr430fs; shifts the reading frame from tyrosine 430.
Molecular consequence: frameshift variant. On other transcripts: non-coding transcript variant (2).
Genome position: GRCh38 VCF-style: chr3-14158595-A-AATAT. GRCh37 (hg19) VCF-style: chr3-14200095-A-AATAT.
Other names: c.708_709insATAT, p.Tyr237fs (NM_001354726.2); c.1287_1288insATAT, p.Tyr430fs (NM_001354727.2, NM_001354730.2); c.1269_1270insATAT, p.Tyr424fs (NM_001354729.2); short protein forms Y237fs, Y430fs, Y424fs.
Identifiers: ClinVar variation 3729401 (VCV003729401.2).

ClinVar aggregate classification (germline): Pathogenic (1 of 4 stars; one submission).

Submission:

Labcorp Genetics (formerly Invitae), Labcorp
Classification: Pathogenic. Last evaluated: 2025-01-22. Review status: criteria provided, single submitter. Criteria: Invitae Variant Classification Sherloc (09022015). Collection method: clinical testing. Allele origin: germline.
Comment: This sequence change creates a premature translational stop signal (p.Tyr430Ilefs*3) in the XPC gene. It is expected to result in an absent or disrupted protein product. Loss-of-function variants in XPC are known to be pathogenic (PMID: 23173980, 25256075). This variant is not present in population databases (gnomAD no frequency). This variant has not been reported in the literature in individuals affected with XPC-related conditions. For these reasons, this variant has been classified as Pathogenic.

Literature cited by the submitters: PubMed 23173980; PubMed 25256075.